The following is an entry in ClinVar:

NM_001374385.1(ATP8B1):c.181+19G>A

Gene: ATP8B1 (ATPase phospholipid transporting 8B1; minus strand). Cytogenetic location: 18q21.31.
Variant type: single nucleotide variant.
Coding change: c.181+19G>A on transcript NM_001374385.1 (MANE Select); 19 bases into the intron after coding-DNA position 181, G replaced by A.
Molecular consequence: intron variant.
Genome position (GRCh38, 1-based): chr18:57,731,608, C>T on the plus strand (G>A on the coding strand, the complement: ATP8B1 is on the minus strand). VCF-style: chr18-57731608-C-T. GRCh37 (hg19) VCF-style: chr18-55398840-C-T.
Other names: c.181+19G>A (NM_005603.6); c.129+19G>A (NM_001374386.1).
Identifiers: ClinVar variation 515757 (VCV000515757.4), dbSNP rs369562908, ClinGen allele CA8974935.

ClinVar aggregate classification (germline): Likely benign. Review status: criteria provided, multiple submitters, no conflicts (2 of 4 stars). 2 submissions from 2 submitters: Likely benign (2). Last evaluated 2024-03-11.

Allele frequency attached by ClinVar (database versions not stated): gnomAD 0.00003 and 0.00004; TOPMed 0.00005; ExAC 0.00006; ESP Exome Variant Server 0.00008; gnomAD exomes 0.00008 and 0.00011.
gnomAD v4.1: 173 of 1,613,212 alleles (0.011%); highest among the groups gnomAD compares: East Asian, 0.031%; no homozygotes.

Submissions (2):

Labcorp Genetics (formerly Invitae), Labcorp
Classification: Likely benign. Last evaluated: 2024-03-11. Review status: criteria provided, single submitter. Criteria: Invitae Variant Classification Sherloc (09022015). Collection method: clinical testing. Allele origin: germline.

GeneDx
Classification: Likely benign. Last evaluated: 2018-03-12. Review status: criteria provided, single submitter. Criteria: GeneDx Variant Classification (06012015). Collection method: clinical testing. Allele origin: germline. Affected: yes.
Comment: This variant is considered likely benign or benign based on one or more of the following criteria: it is a conservative change, it occurs at a poorly conserved position in the protein, it is predicted to be benign by multiple in silico algorithms, and/or has population frequency not consistent with disease.